The following is an entry in ClinVar:

ClinVar aggregate classification (germline): Conflicting classifications of pathogenicity. Review status: criteria provided, conflicting classifications (1 of 4 stars). 2 submissions from 2 submitters: Uncertain significance (1); Likely benign (1). Last evaluated 2025-04-07.

Conditions:
Cardiovascular phenotype. Identifiers: MedGen CN230736.
TNXB-related disorder. Also called: TNXB-related condition.

gnomAD v4.1: 43 of 1,613,060 alleles (0.0027%); highest among the groups gnomAD compares: Non-Finnish European, 0.0031%; no homozygotes.

Submissions (2):

Ambry Genetics
Classification: Likely benign for Cardiovascular phenotype. Last evaluated: 2025-04-07. Review status: criteria provided, single submitter. Criteria: Ambry Variant Classification Scheme 2023. Collection method: clinical testing. Allele origin: germline.

PreventionGenetics, part of Exact Sciences
Classification: Uncertain significance for TNXB-related condition. Last evaluated: 2023-03-21. Review status: criteria provided, single submitter. Criteria: ACMG Guidelines, 2015. Collection method: clinical testing. Allele origin: germline.
Comment: The TNXB c.4861G>C variant is predicted to result in the amino acid substitution p.Val1621Leu. This variant was reported, along with another variant in TNXB, in a study of individuals with rare disease who had whole genome sequencing performed (Table S7, Stranneheim et al. 2021. PubMed ID: 33726816). This variant is reported in 0.016% of alleles in individuals of European (Finnish) descent in gnomAD. At this time, the clinical significance of this variant is uncertain due to the absence of conclusive functional and genetic evidence.

NM_001365276.2(TNXB):c.4861G>C (p.Val1621Leu)

Gene: TNXB (tenascin XB; minus strand). Cytogenetic location: 6p21.33.
Variant type: single nucleotide variant.
Coding change: c.4861G>C on transcript NM_001365276.2 (MANE Select); coding-DNA position 4861, G replaced by C.
Protein change: p.Val1621Leu; replaces valine 1621 with leucine.
Molecular consequence: missense variant.
Genome position (GRCh38, 1-based): chr6:32,072,119, C>G on the plus strand (G>C on the coding strand, the complement: TNXB is on the minus strand). VCF-style: chr6-32072119-C-G. GRCh37 (hg19) VCF-style: chr6-32039896-C-G.
Other names: c.4861G>C, p.Val1621Leu (NM_019105.8); short protein forms V1621L.
Identifiers: ClinVar variation 2629298 (VCV002629298.2), dbSNP rs372387718, ClinGen allele CA3734870.